The following is an entry in ClinVar:

NM_144999.4(LRRC45):c.1723G>A (p.Glu575Lys)

Gene: LRRC45 (leucine rich repeat containing 45; plus strand). Cytogenetic location: 17q25.3.
Variant type: single nucleotide variant.
Coding change: c.1723G>A on transcript NM_144999.4 (MANE Select); coding-DNA position 1723, G replaced by A.
Protein change: p.Glu575Lys; replaces glutamic acid 575 with lysine.
Molecular consequence: missense variant.
Genome position (GRCh38, 1-based): chr17:82,030,373, G>A. VCF-style: chr17-82030373-G-A. GRCh37 (hg19) VCF-style: chr17-79988249-G-A.
Other names: short protein forms E575K.
Identifiers: ClinVar variation 4992152 (VCV004992152.1).
Genomic context (GRCh38, chr17:82,030,373, plus strand): 5'-TGGCAGGAGCTGAGCCTCAAGGACCAGGAAAGGGTGGCCGAGGTGAGCAGGGTGCGCGTG[G>A]AGCTGCAGGAGCAGAACGGCCGGCTGCAGGCGGAGCTGGCGGCTCAGGAGGCGCTGAGGG-3'
Protein context (NP_659436.1, residues 565-585): RVAEVSRVRV[Glu575Lys]LQEQNGRLQA

ClinVar aggregate classification (germline): Uncertain significance (1 of 4 stars; one submission).

Conditions:
LRRC45-related disorder. Also called: LRRC45-related condition.

Submission:

PreventionGenetics, part of Exact Sciences
Classification: Uncertain significance for LRRC45-related condition. Last evaluated: 2025-08-29. Review status: criteria provided, single submitter. Criteria: ACMG Guidelines, 2015. Collection method: clinical testing. Allele origin: germline.
Comment: The LRRC45 c.1723G>A variant is predicted to result in the amino acid substitution p.Glu575Lys. To our knowledge, this variant has not been reported in the literature or in a large population database (gnomAD), indicating this variant is rare. At this time, the clinical significance of this variant is uncertain due to the absence of conclusive functional and genetic evidence.